The following is an entry in ClinVar:

NM_001018005.2(TPM1):c.576G>C (p.Glu192Asp)

Gene: TPM1 (tropomyosin 1; plus strand). Cytogenetic location: 15q22.2.
Variant type: single nucleotide variant.
Coding change: c.576G>C on transcript NM_001018005.2 (MANE Select); coding-DNA position 576, G replaced by C.
Protein change: p.Glu192Asp; replaces glutamic acid 192 with aspartic acid.
Molecular consequence: missense variant. On other transcripts: intron variant (21), non-coding transcript variant (16).
Genome position (GRCh38, 1-based): chr15:63,061,725, G>C. VCF-style: chr15-63061725-G-C. GRCh37 (hg19) VCF-style: chr15-63353924-G-C.
Other names: c.639+452G>C (NM_000366.6, NM_001407331.1, NM_001407327.1 and 10 more transcripts); c.531+452G>C (NM_001330351.2, NM_001330344.2, NM_001365781.2 and 3 more transcripts); c.576G>C, p.Glu192Asp (NM_001018004.2, NM_001018007.2, NM_001301244.2 and 7 more transcripts); c.468G>C, p.Glu156Asp (NM_001018008.2, NM_001301289.2, NM_001330346.2 and 3 more transcripts); c.765+452G>C (NM_001407323.1, NM_001407322.1); c.702G>C, p.Glu234Asp (NM_001365778.1, NM_001407324.1); short protein forms E156D, E192D, E234D.
Identifiers: ClinVar variation 4855277 (VCV004855277.1).

ClinVar aggregate classification (germline): Uncertain significance (1 of 4 stars; one submission).

Conditions:
Hypertrophic cardiomyopathy 3. Also called: TPM1-Related Familial Hypertrophic Cardiomyopathy. Identifiers: MedGen C1861863, MONDO:0007267, OMIM 115196.

Submission:

3billion
Classification: Uncertain significance for Hypertrophic cardiomyopathy 3. Last evaluated: 2026-01-15. Review status: criteria provided, single submitter. Criteria: ACMG Guidelines, 2015. Collection method: clinical testing. Allele origin: germline. Affected: yes.
Comment: The variant is not observed in the gnomAD v4.1.0 dataset. Predicted Consequence/Location: Missense variant In silico tool predictions suggest damaging effect of the variant on gene or gene product [3Cnet: 1.00 (> 0.75, sensitivity 0.96 and precision 0.92)]. A different missense change at the same codon (p.Glu192Lys) has been reported as pathogenic/likely pathogenic with strong evidence (ClinVar ID: VCV000031882 /PMID: 12860912 /3billion dataset). Therefore, this variant is classified as VUS according to the recommendation of ACMG/AMP guideline.

Literature cited by the submitters: PubMed 12860912.